The following is an entry in ClinVar:

NM_001267550.2(TTN):c.104237_104245del (p.Leu34746_Glu34748del)

Genes: TTN (titin; minus strand), TTN-AS1 (TTN antisense RNA 1; plus strand). Cytogenetic location: 2q31.2.
Variant type: Deletion.
Coding change: c.104237_104245del on transcript NM_001267550.2 (MANE Select); coding-DNA positions 104237 to 104245, 9 bases deleted (TGAGGGAAC; older notation c.104237_104245delTGAGGGAAC).
Protein change: p.Leu34746_Glu34748del.
Molecular consequence: inframe deletion.
Genome position (GRCh38, 1-based): chr2:178,532,370-178,532,378, GTTCCCTCA deleted on the plus strand (TGAGGGAAC on the coding strand, the reverse complement: TTN is on the minus strand); deleting any 9 consecutive bases within chr2:178,532,370-178,532,382 gives the same sequence; the c. name uses the placement nearest the transcript's 3' end. VCF-style (leftmost placement, unchanged base first): chr2-178532369-CGTTCCCTCA-C. GRCh37 (hg19) VCF-style: chr2-179397096-CGTTCCCTCA-C.
Other names: c.99314_99322del, p.Leu33105_Glu33107del (NM_001256850.1); c.77042_77050del, p.Leu25681_Glu25683del (NM_003319.4); c.96533_96541del, p.Leu32178_Glu32180del (NM_133378.4); c.77417_77425del, p.Leu25806_Glu25808del (NM_133432.3); c.77618_77626del, p.Leu25873_Glu25875del (NM_133437.4).
Identifiers: ClinVar variation 1011306 (VCV001011306.9), dbSNP rs1689509779, ClinGen allele CA1310518193.

ClinVar aggregate classification (germline): Uncertain significance (1 of 4 stars; one submission).

Conditions:
Dilated cardiomyopathy 1G (CMD1G). Identifiers: Orphanet 154, MedGen C1858763, MONDO:0011400, OMIM 604145.
Autosomal recessive limb-girdle muscular dystrophy type 2J (LGMDR10). Also called: Limb-girdle muscular dystrophy, type 2J; MUSCULAR DYSTROPHY, LIMB-GIRDLE, AUTOSOMAL RECESSIVE 10. Identifiers: Orphanet 140922, MedGen C1837342, MONDO:0012127, OMIM 608807.

Submission:

Labcorp Genetics (formerly Invitae), Labcorp
Classification: Uncertain significance for Dilated cardiomyopathy 1G; Autosomal recessive limb-girdle muscular dystrophy type 2J. Last evaluated: 2022-03-18. Review status: criteria provided, single submitter. Criteria: Invitae Variant Classification Sherloc (09022015). Collection method: clinical testing. Allele origin: germline.
Comment: This variant, c.104237_104245del, results in the deletion of 3 amino acid(s) of the TTN protein (p.Leu34746_Glu34748del), but otherwise preserves the integrity of the reading frame. This variant is not present in population databases (gnomAD no frequency). This variant has not been reported in the literature in individuals affected with TTN-related conditions. ClinVar contains an entry for this variant (Variation ID: 1011306). This variant is located in the M band of TTN (PMID: 25589632). Variants in this region may be relevant for neuromuscular disorders, but have not been definitively shown to cause cardiomyopathy (PMID: 23975875). In summary, the available evidence is currently insufficient to determine the role of this variant in disease. Therefore, it has been classified as a Variant of Uncertain Significance.

Literature cited by the submitters: PubMed 25589632; PubMed 23975875.